The following is an entry in ClinVar:

ClinVar aggregate classification (germline): Uncertain significance (1 of 4 stars; one submission).

Conditions:
Variegate porphyria (VP). Also called: PPOX DEFICIENCY; PORPHYRIA, SOUTH AFRICAN TYPE; PROTOPORPHYRINOGEN OXIDASE DEFICIENCY. Identifiers: Orphanet 79473, MedGen C0162532, MONDO:0008297, OMIM 176200.

Allele frequency attached by ClinVar (database versions not stated): gnomAD 0.00002; TOPMed 0.00002.
gnomAD v4.1: 65 of 1,614,046 alleles (0.004%); highest among the groups gnomAD compares: South Asian, 0.0022%; no homozygotes.

Submission:

Illumina Laboratory Services, Illumina
Classification: Uncertain significance for Variegate porphyria. Last evaluated: 2017-04-27. Review status: criteria provided, single submitter. Criteria: ICSL Variant Classification Criteria 13 December 2019. Collection method: clinical testing. Allele origin: germline.
Comment: This variant was observed as part of a predisposition screen in an ostensibly healthy population. A literature search was performed for the gene, cDNA change, and amino acid change (where applicable). Publications were found based on this search. However, the evidence from the literature, in combination with allele frequency data from public databases where available, was not sufficient to rule this variant in or out of causing disease. Therefore, this variant is classified as a variant of unknown significance.

Literature cited by the submitters: PubMed 12380696; PubMed 21048046.

NM_001122764.3(PPOX):c.649C>T (p.Arg217Cys)

Gene: PPOX (protoporphyrinogen oxidase; plus strand). Cytogenetic location: 1q23.3.
Variant type: single nucleotide variant.
Coding change: c.649C>T on transcript NM_001122764.3 (MANE Select); coding-DNA position 649, C replaced by T.
Protein change: p.Arg217Cys; replaces arginine 217 with cysteine.
Molecular consequence: missense variant.
Genome position (GRCh38, 1-based): chr1:161,169,025, C>T. VCF-style: chr1-161169025-C-T. GRCh37 (hg19) VCF-style: chr1-161138815-C-T.
Other names: c.649C>T, p.Arg217Cys (NM_000309.5, NM_001365398.1, NM_001365399.1); c.550C>T, p.Arg184Cys (NM_001350128.2); c.241C>T, p.Arg81Cys (NM_001350129.2, NM_001365400.1); c.163C>T, p.Arg55Cys (NM_001350130.2, NM_001350131.2, NM_001365401.1); short protein forms R55C, R81C, R184C, R217C.
Identifiers: ClinVar variation 875180 (VCV000875180.4), dbSNP rs751599052, ClinGen allele CA1207216.